The following is an entry in ClinVar:

ClinVar aggregate classification (germline): Uncertain significance (1 of 4 stars; one submission).

Allele frequency attached by ClinVar (database versions not stated): gnomAD exomes below 0.00001.
gnomAD v4.1: 6 of 1,614,006 alleles (0.00037%); highest among the groups gnomAD compares: East Asian, 0.0022%; no homozygotes.

Submission:

Labcorp Genetics (formerly Invitae), Labcorp
Classification: Uncertain significance. Last evaluated: 2025-09-22. Review status: criteria provided, single submitter. Criteria: Invitae Variant Classification Sherloc (09022015). Collection method: clinical testing. Allele origin: germline.
Comment: This sequence change replaces aspartic acid, which is acidic and polar, with asparagine, which is neutral and polar, at codon 472 of the DDR2 protein (p.Asp472Asn). This variant is present in population databases (no rsID available, gnomAD 0.006%). This variant has not been reported in the literature in individuals affected with DDR2-related conditions. ClinVar contains an entry for this variant (Variation ID: 1024453). An algorithm developed to predict the effect of missense changes on protein structure and function (PolyPhen-2) suggests that this variant is likely to be tolerated. In summary, the available evidence is currently insufficient to determine the role of this variant in disease. Therefore, it has been classified as a Variant of Uncertain Significance.

NM_006182.4(DDR2):c.1414G>A (p.Asp472Asn)

Gene: DDR2 (discoidin domain receptor tyrosine kinase 2; plus strand). Cytogenetic location: 1q23.3.
Variant type: single nucleotide variant.
Coding change: c.1414G>A on transcript NM_006182.4 (MANE Select); coding-DNA position 1414, G replaced by A.
Protein change: p.Asp472Asn; replaces aspartic acid 472 with asparagine.
Molecular consequence: missense variant.
Genome position (GRCh38, 1-based): chr1:162,770,422, G>A. VCF-style: chr1-162770422-G-A. GRCh37 (hg19) VCF-style: chr1-162740212-G-A.
Other names: c.1414G>A, p.Asp472Asn (NM_001014796.3, NM_001354982.2, NM_001354983.2); short protein forms D472N.
Identifiers: ClinVar variation 1024453 (VCV001024453.5), dbSNP rs1219740609, ClinGen allele CA343411185.
Genomic context (GRCh38, chr1:162,770,422, plus strand): 5'-AGCATGTTCAACAATAACCGCTCCTCATCACCTAGTGAACAAGGGTCCAACTCGACTTAC[G>A]ATCGCATCTTTCCCCTTCGCCCTGACTACCAGGAGCCATCCAGGCTGATACGAAAACTCC-3'
Protein context (NP_006173.2, residues 462-482): PSEQGSNSTY[Asp472Asn]RIFPLRPDYQ